The following is an entry in ClinVar:

ClinVar aggregate classification (germline): Uncertain significance. Review status: criteria provided, multiple submitters, no conflicts (2 of 4 stars). 2 submissions from 2 submitters: Uncertain significance (2). Last evaluated 2023-06-21.

Conditions:
Intellectual disability, autosomal dominant 9 (NESCAVS). Also called: NESCAV SYNDROME; KIF1A-Related Neurodevelopmental Disorder. Identifiers: Orphanet 662367, MedGen C5393830, MONDO:0013656, OMIM 614255.

Allele frequency attached by ClinVar (database versions not stated): gnomAD 0.00003 and 0.00004; TOPMed 0.00005.
gnomAD v4.1: 20 of 1,550,524 alleles (0.0013%); highest among the groups gnomAD compares: African/African-American, 0.012%; no homozygotes.

Submissions (2):

GeneDx
Classification: Uncertain significance. Last evaluated: 2023-06-21. Review status: criteria provided, single submitter. Criteria: GeneDx Variant Classification Process June 2021. Collection method: clinical testing. Allele origin: germline. Affected: yes.
Comment: Reported using an alternate transcript of the gene; In silico analysis supports that this missense variant does not alter protein structure/function; Has not been previously published as pathogenic or benign to our knowledge

New York Genome Center
Classification: Uncertain significance for Intellectual disability, autosomal dominant 9. Last evaluated: 2020-07-10. Review status: criteria provided, single submitter. Criteria: NYGC Assertion Criteria 2020. Collection method: clinical testing. Allele origin: inherited. Observed: 1 heterozygote. Study: CSER-NYCKidSeq.

NM_001244008.2(KIF1A):c.2812C>T (p.Arg938Trp)

Gene: KIF1A (kinesin family member 1A; minus strand). Cytogenetic location: 2q37.3.
Variant type: single nucleotide variant.
Coding change: c.2812C>T on transcript NM_001244008.2 (MANE Select); coding-DNA position 2812, C replaced by T.
Protein change: p.Arg938Trp; replaces arginine 938 with tryptophan.
Molecular consequence: missense variant. On other transcripts: intron variant (18).
Genome position (GRCh38, 1-based): chr2:240,757,365, G>A on the plus strand (C>T on the coding strand, the complement: KIF1A is on the minus strand). VCF-style: chr2-240757365-G-A. GRCh37 (hg19) VCF-style: chr2-241696782-G-A.
Other names: c.2887C>T, p.Arg963Trp (NM_001379631.1); c.2761C>T, p.Arg921Trp (NM_001379632.1); c.2785C>T, p.Arg929Trp (NM_001379633.1, NM_001379642.1, NM_001379645.1); c.2555+995C>T (NM_001379653.1, NM_001379650.1, NM_001379640.1 and 6 more transcripts); c.2657+995C>T (NM_001379635.1, NM_001330290.2, NM_001379646.1 and 1 more transcripts); c.2630+995C>T (NM_001379637.1, NM_001379648.1); c.2582+995C>T (NM_001320705.2, NM_001379638.1, NM_001330289.2); short protein forms R921W, R929W, R938W, R963W.
Identifiers: ClinVar variation 1184295 (VCV001184295.4), dbSNP rs375371570, ClinGen allele CA68169611.